The following is an entry in ClinVar:

NM_001754.5(RUNX1):c.662T>G (p.Phe221Cys)

Gene: RUNX1 (RUNX family transcription factor 1; minus strand). Cytogenetic location: 21q22.12.
Variant type: single nucleotide variant.
Coding change: c.662T>G on transcript NM_001754.5 (MANE Select); coding-DNA position 662, T replaced by G.
Protein change: p.Phe221Cys; replaces phenylalanine 221 with cysteine.
Molecular consequence: missense variant.
Genome position (GRCh38, 1-based): chr21:34,834,553, A>C on the plus strand (T>G on the coding strand, the complement: RUNX1 is on the minus strand). VCF-style: chr21-34834553-A-C. GRCh37 (hg19) VCF-style: chr21-36206850-A-C.
Other names: NM_001754.5(RUNX1):c.662T>G; p.Phe221Cys; c.581T>G, p.Phe194Cys (NM_001001890.3, NM_001122607.2); short protein forms F194C, F221C.
Identifiers: ClinVar variation 944219 (VCV000944219.11), dbSNP rs2057114648, ClinGen allele CA410206983.

ClinVar aggregate classification (germline): Uncertain significance. Review status: reviewed by expert panel (3 of 4 stars). 3 submissions from 3 submitters: Uncertain significance (1). 2 of the submissions do not count toward it. Last evaluated 2024-10-29.

Conditions:
Hereditary thrombocytopenia and hematological cancer predisposition syndrome associated with RUNX1. Also called: PLATELET DISORDER, ASPIRIN-LIKE; RUNX1 Familial Platelet Disorder with Associated Myeloid Malignancies; Familial Platelet Disorder with Propensity to Acute Myelogenous Leukemia; Familial thrombocytopenia with propensity to acute myelogenous leukemia. Identifiers: Orphanet 71290, MedGen C1832388, MeSH C563324, MONDO:0100083, OMIM 601399.
Hereditary thrombocytopenia and hematologic cancer predisposition syndrome. Identifiers: Orphanet 71290, MedGen CN281654, MONDO:0011071.
Inborn genetic diseases. Identifiers: MedGen C0950123, MeSH D030342.

Submissions (3):

ClinGen Myeloid Malignancy Variant Curation Expert Panel
Classification: Uncertain significance for Hereditary thrombocytopenia and hematologic cancer predisposition syndrome. Last evaluated: 2024-10-29. Review status: reviewed by expert panel. Criteria: ClinGen MyeloMalig ACMG Specifications v2. Collection method: curation. Allele origin: germline. Inheritance: Autosomal dominant inheritance.
Comment: NM_001754.5(RUNX1):c.662T>G (p.Phe221Cys) is a missense variant which is completely absent from all population databases with at least 20x coverage for RUNX1 (PM2_Supporting). In summary, the clinical significance of this variant is uncertain. ACMG/AMP criteria applied, as specified by the Myeloid Malignancy Variant Curation Expert Panel for RUNX1: PM2_supporting.

Ambry Genetics
Classification: Uncertain significance for Inborn genetic diseases. Last evaluated: 2026-07-07. Review status: criteria provided, single submitter. Criteria: Ambry Variant Classification Scheme 2023. Collection method: clinical testing. Allele origin: germline. Not counted in ClinVar's aggregate classification.
Comment: The p.F221C variant (also known as c.662T>G), located in coding exon 6 of the RUNX1 gene, results from a T to G substitution at nucleotide position 662. The phenylalanine at codon 221 is replaced by cysteine, an amino acid with highly dissimilar properties. This amino acid position is conserved. In addition, this alteration is predicted to be deleterious by in silico analysis. Based on the available evidence, the clinical significance of this variant remains unclear.

Labcorp Genetics (formerly Invitae), Labcorp
Classification: Uncertain significance for Hereditary thrombocytopenia and hematological cancer predisposition syndrome associated with RUNX1. Last evaluated: 2023-06-29. Review status: criteria provided, single submitter. Criteria: Invitae Variant Classification Sherloc (09022015). Collection method: clinical testing. Allele origin: germline. Not counted in ClinVar's aggregate classification.
Comment: ClinVar contains an entry for this variant (Variation ID: 944219). Advanced modeling of protein sequence and biophysical properties (such as structural, functional, and spatial information, amino acid conservation, physicochemical variation, residue mobility, and thermodynamic stability) has been performed at Invitae for this missense variant, however the output from this modeling did not meet the statistical confidence thresholds required to predict the impact of this variant on RUNX1 protein function. This variant has not been reported in the literature in individuals affected with RUNX1-related conditions. This variant is not present in population databases (gnomAD no frequency). This sequence change replaces phenylalanine, which is neutral and non-polar, with cysteine, which is neutral and slightly polar, at codon 221 of the RUNX1 protein (p.Phe221Cys). In summary, the available evidence is currently insufficient to determine the role of this variant in disease. Therefore, it has been classified as a Variant of Uncertain Significance.